The following is an entry in ClinVar:

ClinVar aggregate classification (germline): Pathogenic (1 of 4 stars; one submission).

Conditions:
Facioscapulohumeral muscular dystrophy 2 (FSHD2). Also called: FACIOSCAPULOHUMERAL MUSCULAR DYSTROPHY 2, DIGENIC; FSHD2, DIGENIC; MUSCULAR DYSTROPHY, FACIOSCAPULOHUMERAL, TYPE 1B. Identifiers: Orphanet 269, MedGen C1834671, MONDO:0008031, OMIM 158901.

Submission:

Labcorp Genetics (formerly Invitae), Labcorp
Classification: Pathogenic for Facioscapulohumeral muscular dystrophy 2. Last evaluated: 2022-06-27. Review status: criteria provided, single submitter. Criteria: Invitae Variant Classification Sherloc (09022015). Collection method: clinical testing. Allele origin: germline.
Comment: For these reasons, this variant has been classified as Pathogenic. This variant has not been reported in the literature in individuals affected with SMCHD1-related conditions. This variant is a gross deletion of the genomic region encompassing exon(s) 2-3 of the SMCHD1 gene. This deletion is out-of-frame, and is expected to create a premature termination codon and result in an absent or disrupted protein product. Loss-of-function variants in SMCHD1 are known to be pathogenic (PMID: 23143600).

Literature cited by the submitters: PubMed 23143600.

NC_000018.9:g.(?_2666136)_(2667050_?)del

Gene: SMCHD1 (structural maintenance of chromosomes flexible hinge domain containing 1; plus strand). Cytogenetic location: 18p11.32.
Variant type: Deletion.
Identifiers: ClinVar variation 1456495 (VCV001456495.5).